The following is an entry in ClinVar:

ClinVar aggregate classification (germline): Pathogenic (1 of 4 stars; one submission).

Conditions:
Familial hemophagocytic lymphohistiocytosis 3 (FHL3). Also called: UNC13D-Related Familial Hemophagocytic Lymphohistiocytosis (UNC13D-fHLH). Identifiers: Orphanet 540, MedGen C1837174, MONDO:0012146, OMIM 608898.

Submission:

Labcorp Genetics (formerly Invitae), Labcorp
Classification: Pathogenic for Familial hemophagocytic lymphohistiocytosis 3. Last evaluated: 2025-10-07. Review status: criteria provided, single submitter. Criteria: Invitae Variant Classification Sherloc (09022015). Collection method: clinical testing. Allele origin: germline.
Comment: This sequence change creates a premature translational stop signal (p.Gln688*) in the UNC13D gene. It is expected to result in an absent or disrupted protein product. Loss-of-function variants in UNC13D are known to be pathogenic (PMID: 14622600). This variant is present in population databases (rs762229445, gnomAD 0.0009%). This variant has not been reported in the literature in individuals affected with UNC13D-related conditions. For these reasons, this variant has been classified as Pathogenic.

Literature cited by the submitters: PubMed 14622600.

NM_199242.3(UNC13D):c.2062C>T (p.Gln688Ter)

Gene: UNC13D (unc-13 homolog D; minus strand). Cytogenetic location: 17q25.1.
Variant type: single nucleotide variant.
Coding change: c.2062C>T on transcript NM_199242.3 (MANE Select); coding-DNA position 2062, C replaced by T.
Protein change: p.Gln688Ter; replaces glutamine 688 with a stop codon.
Molecular consequence: nonsense.
Genome position (GRCh38, 1-based): chr17:75,834,647, G>A on the plus strand (C>T on the coding strand, the complement: UNC13D is on the minus strand). VCF-style: chr17-75834647-G-A. GRCh37 (hg19) VCF-style: chr17-73830728-G-A.
Other names: short protein forms Q688*.
Identifiers: ClinVar variation 4728639 (VCV004728639.1).